The following is an entry in ClinVar:

NM_000379.4(XDH):c.1984_1987del (p.Thr662fs)

Gene: XDH (xanthine dehydrogenase; minus strand). Cytogenetic location: 2p23.1.
Variant type: Deletion.
Coding change: c.1984_1987del on transcript NM_000379.4 (MANE Select); coding-DNA positions 1984 to 1987, 4 bases deleted (ACTT; older notation c.1984_1987delACTT).
Protein change: p.Thr662fs; shifts the reading frame from threonine 662.
Molecular consequence: frameshift variant.
Genome position (GRCh38, 1-based): chr2:31,368,654-31,368,657, AAGT deleted on the plus strand (ACTT on the coding strand, the reverse complement: XDH is on the minus strand); deleting any 4 consecutive bases within chr2:31,368,654-31,368,659 gives the same sequence; the c. name uses the placement nearest the transcript's 3' end. VCF-style (leftmost placement, unchanged base first): chr2-31368653-CAAGT-C. GRCh37 (hg19) VCF-style: chr2-31591519-CAAGT-C.
Other names: short protein forms T662fs.
Identifiers: ClinVar variation 5006284 (VCV005006284.2).

ClinVar aggregate classification (germline): Likely pathogenic (1 of 4 stars; one submission).

Conditions:
Hereditary xanthinuria type 1 (XAN1). Identifiers: Orphanet 3467, Orphanet 93601, MedGen C0268118, MONDO:0010209, OMIM 278300.

Submission:

Juno Genomics, Hangzhou Juno Genomics, Inc
Classification: Likely pathogenic for Hereditary xanthinuria type 1. Review status: criteria provided, single submitter. Criteria: ACMG Guidelines, 2015. Collection method: clinical testing. Allele origin: germline.
Comment: Null variant in a gene where loss of function (LOF) is a known mechanism of disease.;Absent from controls (or at extremely low frequency if recessive) in Genome Aggregation Database.